The following is an entry in ClinVar:

ClinVar aggregate classification (germline): Conflicting classifications of pathogenicity. Review status: criteria provided, conflicting classifications (1 of 4 stars). 9 submissions from 8 submitters: Uncertain significance (2); Benign (3); Likely benign (3). 1 of the submissions does not count toward it. Last evaluated 2026-01-27.

Conditions:
Wiskott-Aldrich syndrome (WAS). Also called: ALDRICH SYNDROME; IMMUNODEFICIENCY 2; Wiskott-aldrich syndrome, somatic; WISKOTT-ALDRICH SYNDROME 1. Identifiers: Orphanet 906, MedGen C0043194, MONDO:0010518, OMIM 301000.
Werner syndrome (WRN). Identifiers: Orphanet 902, MedGen C0043119, MONDO:0010196, OMIM 277700.

Allele frequency attached by ClinVar (database versions not stated): gnomAD 0.00131; TOPMed 0.00140; ESP Exome Variant Server 0.00185; 1000 Genomes Project 0.00280; 1000 Genomes Project 30x 0.00281.
gnomAD v4.1: 479 of 1,614,188 alleles (0.03%); highest among the groups gnomAD compares: African/African-American, 0.54%; 3 homozygotes.

Submissions (9):

Labcorp Genetics (formerly Invitae), Labcorp
Classification: Benign for Werner syndrome. Last evaluated: 2026-01-27. Review status: criteria provided, single submitter. Criteria: Invitae Variant Classification Sherloc (09022015). Collection method: clinical testing. Allele origin: germline.

Dasa
Classification: Benign. Last evaluated: 2025-12-24. Review status: criteria provided, single submitter. Criteria: DASA Assertion Criteria. Collection method: clinical testing. Allele origin: germline.
Comment: NM_000553.6(WRN):c.2937T>G (p.Ile979Met) is a missense variant that results in the substitution of isoleucine with methionine. Population frequency is inconsistent with a disease-causing role for this variant, and observations in unaffected individuals support a benign interpretation. Computational prediction algorithms are consistent with a benign effect. Therefore, based on the currently available evidence, this variant is classified as benign.

CeGaT Center for Human Genetics Tuebingen
Classification: Likely benign. Last evaluated: 2025-10-01. Review status: criteria provided, single submitter. Criteria: CeGaT Center For Human Genetics Tuebingen Variant Classification Criteria Version 2. Collection method: clinical testing. Allele origin: germline. Affected: yes. Observed: 2 variant alleles.
Comment: WRN: BP4, BS2

KCCC/NGS Laboratory, Kuwait Cancer Control Center
Classification: Benign for Werner syndrome. Last evaluated: 2025-02-01. Review status: criteria provided, single submitter. Criteria: ACMG Guidelines, 2015. Collection method: clinical testing. Allele origin: germline. Affected: no.

Revvity Omics, Revvity
Classification: Uncertain significance for Werner syndrome. Last evaluated: 2024-12-27. Review status: criteria provided, single submitter. Criteria: ACMG Guidelines, 2015. Collection method: clinical testing. Allele origin: germline.

Blueprint Genetics
Classification: Likely benign. Last evaluated: 2024-09-02. Review status: criteria provided, single submitter. Criteria: ACMG Guidelines, 2015. Collection method: clinical testing. Allele origin: germline.

KCCC/NGS Laboratory, Kuwait Cancer Control Center
Classification: Likely benign for Wiskott-Aldrich syndrome. Last evaluated: 2023-07-07. Review status: criteria provided, single submitter. Criteria: ACMG Guidelines, 2015. Collection method: clinical testing. Allele origin: germline. Affected: yes.

Baylor Genetics
Classification: Uncertain significance for Werner syndrome. Last evaluated: 2019-07-27. Review status: criteria provided, single submitter. Criteria: ACMG Guidelines, 2015. Collection method: clinical testing. Allele origin: maternal. Affected: yes. Study: CSER-TexasKidsCanSeq.
Comment: This variant was determined to be of uncertain significance according to ACMG Guidelines, 2015 [PMID:25741868].

ITMI
No classification provided. Condition: AllHighlyPenetrant. Last evaluated: 2013-09-19. Review status: no classification provided. Collection method: reference population. Allele origin: germline. Not counted in ClinVar's aggregate classification.
Comment: Please see associated publication for description of ethnicities

Literature cited by the submitters: PubMed 24728327 (cited by ITMI).

NM_000553.6(WRN):c.2937T>G (p.Ile979Met)

Gene: WRN (WRN RecQ like helicase; plus strand). Cytogenetic location: 8p12.
Variant type: single nucleotide variant.
Coding change: c.2937T>G on transcript NM_000553.6 (MANE Select); coding-DNA position 2937, T replaced by G.
Protein change: p.Ile979Met; replaces isoleucine 979 with methionine.
Molecular consequence: missense variant.
Genome position (GRCh38, 1-based): chr8:31,132,476, T>G. VCF-style: chr8-31132476-T-G. GRCh37 (hg19) VCF-style: chr8-30989992-T-G.
Other names: short protein forms I979M.
Identifiers: ClinVar variation 135424 (VCV000135424.37), dbSNP rs147802438, ClinGen allele CA162722.